The following is an entry in ClinVar:

ClinVar aggregate classification (germline): Uncertain significance (1 of 4 stars; one submission).

gnomAD v4.1: 9 of 1,612,678 alleles (0.00056%); highest among the groups gnomAD compares: Non-Finnish European, 0.00076%; no homozygotes.

Submission:

Women's Health and Genetics/Laboratory Corporation of America, LabCorp
Classification: Uncertain significance. Last evaluated: 2024-11-04. Review status: criteria provided, single submitter. Criteria: LabCorp Variant Classification Summary - May 2015. Collection method: clinical testing. Allele origin: germline.
Comment: Variant summary: CHST6 c.189C>G (p.His63Gln) results in a non-conservative amino acid change located in the Sulfotransferase domain (IPR000863) of the encoded protein sequence. Five of five in-silico tools predict a damaging effect of the variant on protein function. The variant allele was found at a frequency of 2e-05 in 248680 control chromosomes. The available data on variant occurrences in the general population are insufficient to allow any conclusion about variant significance. c.189C>G has been reported in the literature in the homozygous state in at least one individual affected with Macular Corneal Dystrophy (Klintworth_2006). These report(s) do not provide unequivocal conclusions about association of the variant with Macular Corneal Dystrophy. To our knowledge, no experimental evidence demonstrating an impact on protein function has been reported. The following publication have been ascertained in the context of this evaluation (PMID: 16568029). No submitters have cited clinical-significance assessments for this variant to ClinVar. Based on the evidence outlined above, the variant was classified as uncertain significance.

Literature cited by the submitters: PubMed 16568029.

NM_021615.5(CHST6):c.189C>G (p.His63Gln)

Gene: CHST6 (carbohydrate sulfotransferase 6; minus strand). Cytogenetic location: 16q23.1.
Variant type: single nucleotide variant.
Coding change: c.189C>G on transcript NM_021615.5 (MANE Select); coding-DNA position 189, C replaced by G.
Protein change: p.His63Gln; replaces histidine 63 with glutamine.
Molecular consequence: missense variant.
Genome position (GRCh38, 1-based): chr16:75,479,640, G>C on the plus strand (C>G on the coding strand, the complement: CHST6 is on the minus strand). VCF-style: chr16-75479640-G-C. GRCh37 (hg19) VCF-style: chr16-75513538-G-C.
Other names: short protein forms H63Q.
Identifiers: ClinVar variation 3629829 (VCV003629829.1).